The following is an entry in ClinVar:

ClinVar aggregate classification (germline): Pathogenic. Review status: criteria provided, single submitter (1 of 4 stars). 2 submissions from 2 submitters: Pathogenic (1). 1 of the submissions does not count toward it. Last evaluated 2025-01-29.

Conditions:
Neuromuscular disease caused by qualitative or quantitative defects of dysferlin. Also called: Qualitative or quantitative defects of dysferlin; Dysferlinopathy. Identifiers: Orphanet 207073, MedGen C2931687, MONDO:0016145.
Autosomal recessive limb-girdle muscular dystrophy type 2B (LGMDR2). Also called: Limb-Girdle Muscular Dystrophy Type 2B (LGMD2B); MUSCULAR DYSTROPHY, LIMB-GIRDLE, AUTOSOMAL RECESSIVE 2; MUSCULAR DYSTROPHY, LIMB-GIRDLE, TYPE 3; Limb-girdle muscular dystrophy, type 2B. Identifiers: Orphanet 268, MedGen C1850889, MONDO:0009676, OMIM 253601.

Submissions (2):

Labcorp Genetics (formerly Invitae), Labcorp
Classification: Pathogenic for Neuromuscular disease caused by qualitative or quantitative defects of dysferlin. Last evaluated: 2025-01-29. Review status: criteria provided, single submitter. Criteria: Invitae Variant Classification Sherloc (09022015). Collection method: clinical testing. Allele origin: germline.
Comment: This sequence change creates a premature translational stop signal (p.Phe1258Serfs*3) in the DYSF gene. It is expected to result in an absent or disrupted protein product. Loss-of-function variants in DYSF are known to be pathogenic (PMID: 17698709, 20301480). This variant is not present in population databases (gnomAD no frequency). This premature translational stop signal has been observed in individual(s) with clinical features of DYSF-related conditions (PMID: 19528035). ClinVar contains an entry for this variant (Variation ID: 553990). For these reasons, this variant has been classified as Pathogenic.

Counsyl
Classification: Likely pathogenic for Autosomal recessive limb-girdle muscular dystrophy type 2B. Last evaluated: 2017-10-05. Review status: no assertion criteria provided. Collection method: clinical testing. Allele origin: unknown. Not counted in ClinVar's aggregate classification.

Literature cited by the submitters: PubMed 17698709 (cited by Labcorp Genetics (formerly Invitae), Labcorp); PubMed 20301480 (cited by Labcorp Genetics (formerly Invitae), Labcorp); PubMed 19528035 (cited by Labcorp Genetics (formerly Invitae), Labcorp and Counsyl).

NM_001130987.2(DYSF):c.3827del (p.Phe1276fs)

Gene: DYSF (dysferlin; plus strand). Cytogenetic location: 2p13.2.
Variant type: Deletion.
Coding change: c.3827del on transcript NM_001130987.2 (MANE Select); coding-DNA position 3827, one base deleted (T; older notation c.3827delT).
Protein change: p.Phe1276fs; shifts the reading frame from phenylalanine 1276.
Molecular consequence: frameshift variant.
Genome position (GRCh38, 1-based): chr2:71,600,772, T deleted; the last of 2 consecutive T bases (chr2:71,600,771-71,600,772); deleting either gives the same sequence. VCF-style (leftmost placement, unchanged base first): chr2-71600770-GT-G. GRCh37 (hg19) VCF-style: chr2-71827900-GT-G.
Other names: c.3776del, p.Phe1259fs (NM_001130455.2, NM_001130983.2); c.3731del, p.Phe1244fs (NM_001130976.2, NM_001130977.2); c.3773del, p.Phe1258fs (NM_001130978.2, NM_003494.4); c.3866del, p.Phe1289fs (NM_001130979.2); c.3824del, p.Phe1275fs (NM_001130980.2, NM_001130981.2); c.3869del, p.Phe1290fs (NM_001130982.2); c.3734del, p.Phe1245fs (NM_001130984.2, NM_001130986.2); c.3827del, p.Phe1276fs (NM_001130985.2); short protein forms F1275fs, F1244fs, F1276fs, F1258fs, F1289fs, F1290fs, F1245fs, F1259fs.
Identifiers: ClinVar variation 553990 (VCV000553990.3), dbSNP rs1553376558, ClinGen allele CA658821434.